The following is an entry in ClinVar:

ClinVar aggregate classification (germline): Uncertain significance. Review status: criteria provided, multiple submitters, no conflicts (2 of 4 stars). 3 submissions from 3 submitters: Uncertain significance (3). Last evaluated 2026-03-11.

Conditions:
Cardiovascular phenotype. Identifiers: MedGen CN230736.
Arrhythmogenic right ventricular cardiomyopathy (ARVD). Also called: Cardiomyopathy, ARVC; Arrhythmogenic right ventricular dysplasia; Arrhythmogenic cardiomyopathy; Arrhythmogenic Right Ventricular Cardiomyopathy (ARVC). Identifiers: Orphanet 247, MedGen C0349788, MeSH D019571, MONDO:0016587. Disease mechanism: loss of function. Inheritance: Various modes of inheritance.
Cardiomyopathy (CMYO). Also called: Cardiomyopathies. Identifiers: Orphanet 167848, MedGen C0878544, MONDO:0004994, HP:0001638. Inheritance: Various modes of inheritance.

gnomAD v4.1: 21 of 1,614,180 alleles (0.0013%); highest among the groups gnomAD compares: Non-Finnish European, 0.0018%; no homozygotes.

Submissions (3):

Ambry Genetics
Classification: Uncertain significance for Cardiovascular phenotype. Last evaluated: 2026-03-11. Review status: criteria provided, single submitter. Criteria: Ambry Variant Classification Scheme 2023. Collection method: clinical testing. Allele origin: germline.
Comment: The p.S1111R variant (also known as c.3333C>G), located in coding exon 15 of the DSG2 gene, results from a C to G substitution at nucleotide position 3333. The serine at codon 1111 is replaced by arginine, an amino acid with dissimilar properties. This amino acid position is conserved. In addition, the in silico prediction for this alteration is inconclusive. Based on the available evidence, the clinical significance of this variant remains unclear.

Color Diagnostics, LLC DBA Color Health
Classification: Uncertain significance for Cardiomyopathy. Last evaluated: 2024-03-06. Review status: criteria provided, single submitter. Criteria: ACMG Guidelines, 2015. Collection method: clinical testing. Allele origin: germline.
Comment: This missense variant replaces serine with arginine at codon 1111 of the DSG2 protein. Computational prediction suggests that this variant may not impact protein structure and function (internally defined REVEL score threshold <= 0.5, PMID: 27666373). To our knowledge, functional studies have not been reported for this variant. This variant has not been reported in individuals affected with DSG2-related disorders in the literature. This variant has been identified in 3/249130 chromosomes in the general population by the Genome Aggregation Database (gnomAD). The available evidence is insufficient to determine the role of this variant in disease conclusively. Therefore, this variant is classified as a Variant of Uncertain Significance.

All of Us Research Program, National Institutes of Health
Classification: Uncertain significance for Arrhythmogenic right ventricular cardiomyopathy. Last evaluated: 2023-11-02. Review status: criteria provided, single submitter. Criteria: ACMG Guidelines, 2015. Collection method: clinical testing. Allele origin: germline. Inheritance: Autosomal dominant inheritance. Observed: 5 variant alleles, 5 heterozygotes.
Comment: This missense variant replaces serine with arginine at codon 1111 of the DSG2 protein. Computational prediction suggests that this variant may not impact protein structure and function (internally defined REVEL score threshold <= 0.5, PMID: 27666373). To our knowledge, functional studies have not been reported for this variant. This variant has not been reported in individuals affected with cardiovascular disorders in the literature. This variant has been identified in 3/249130 chromosomes in the general population by the Genome Aggregation Database (gnomAD). The available evidence is insufficient to determine the role of this variant in disease conclusively. Therefore, this variant is classified as a Variant of Uncertain Significance.

This study involves interpretation of variants in research participants for the purpose of population health screening. Participant phenotype was not available at the time of variant classification. Additional details can be found in publication PMID: 35346344, PMCID: PMC8962531

NM_001943.5(DSG2):c.3333C>G (p.Ser1111Arg)

Genes: DSG2 (desmoglein 2; plus strand), DSG2-AS1 (DSG2 antisense RNA 1; minus strand). Cytogenetic location: 18q12.1.
Variant type: single nucleotide variant.
Coding change: c.3333C>G on transcript NM_001943.5 (MANE Select); coding-DNA position 3333, C replaced by G.
Protein change: p.Ser1111Arg; replaces serine 1111 with arginine.
Molecular consequence: missense variant.
Genome position (GRCh38, 1-based): chr18:31,546,719, C>G. VCF-style: chr18-31546719-C-G. GRCh37 (hg19) VCF-style: chr18-29126682-C-G.
Other names: c.3333C>G (NM_001943.3); short protein forms S1111R.
Identifiers: ClinVar variation 1171476 (VCV001171476.6), dbSNP rs143867223, ClinGen allele CA297702783.